The following is an entry in ClinVar:

ClinVar aggregate classification (germline): Uncertain significance (1 of 4 stars; one submission).

Conditions:
Familial adenomatous polyposis 1 (FAP1). Also called: POLYPOSIS, ADENOMATOUS INTESTINAL; FAMILIAL ADENOMATOUS POLYPOSIS 1, ATTENUATED. Identifiers: MedGen C2713442, MONDO:0021056, OMIM 175100. Disease mechanism: loss of function.

Submission:

Labcorp Genetics (formerly Invitae), Labcorp
Classification: Uncertain significance for Familial adenomatous polyposis 1. Last evaluated: 2023-10-06. Review status: criteria provided, single submitter. Criteria: Invitae Variant Classification Sherloc (09022015). Collection method: clinical testing. Allele origin: germline.
Comment: This sequence change replaces arginine, which is basic and polar, with glycine, which is neutral and non-polar, at codon 244 of the APC protein (p.Arg244Gly). This variant is not present in population databases (gnomAD no frequency). This variant has not been reported in the literature in individuals affected with APC-related conditions. An algorithm developed to predict the effect of missense changes on protein structure and function (PolyPhen-2) suggests that this variant is likely to be tolerated. In summary, the available evidence is currently insufficient to determine the role of this variant in disease. Therefore, it has been classified as a Variant of Uncertain Significance.

NM_000038.6(APC):c.730A>G (p.Arg244Gly)

Gene: APC (APC regulator of Wnt signaling pathway; plus strand). Cytogenetic location: 5q22.2.
Variant type: single nucleotide variant.
Coding change: c.730A>G on transcript NM_000038.6 (MANE Select); coding-DNA position 730, A replaced by G.
Protein change: p.Arg244Gly; replaces arginine 244 with glycine.
Molecular consequence: missense variant. On other transcripts: 5 prime UTR variant (4), non-coding transcript variant (2).
Genome position (GRCh38, 1-based): chr5:112,801,279, A>G. VCF-style: chr5-112801279-A-G. GRCh37 (hg19) VCF-style: chr5-112136976-A-G.
Other names: c.730A>G, p.Arg244Gly (NM_001407450.1, NM_001407456.1, NM_001407454.1 and 12 more transcripts); c.655A>G, p.Arg219Gly (NM_001407451.1, NM_001354898.2, NM_001354904.2); c.646A>G, p.Arg216Gly (NM_001407452.1, NM_001354899.2, NM_001407467.1 and 1 more transcripts); c.553A>G, p.Arg185Gly (NM_001407453.1, NM_001354900.2, NM_001354901.2 and 1 more transcripts); c.676A>G, p.Arg226Gly (NM_001127511.3); c.760A>G, p.Arg254Gly (NM_001354897.2, NM_001354902.2, NM_001407446.1); c.-306A>G (NM_001354906.2, NM_001407470.1, NM_001407471.1 and 1 more transcripts); short protein forms R185G, R219G, R244G, R254G, R216G, R226G.
Identifiers: ClinVar variation 2766357 (VCV002766357.3), dbSNP rs2532749338, ClinGen allele CA16022926.
Genomic context (GRCh38, chr5:112,801,279, plus strand): 5'-CTTGGGCTAAGAAAGCCTACACCATTTTTGCATGTACTGATGTTAACTCCATCTTAACAG[A>G]GGTCATCTCAGAACAAGCATGAAACCGGCTCACATGATGCTGAGCGGCAGAATGAAGGTC-3'
Protein context (NP_000029.2, residues 234-254): LLQSQATEAE[Arg244Gly]SSQNKHETGS